The following is an entry in ClinVar:

NM_007194.4(CHEK2):c.1367C>A (p.Ser456Ter)

Gene: CHEK2 (checkpoint kinase 2; minus strand). Cytogenetic location: 22q12.1.
Variant type: single nucleotide variant.
Coding change: c.1367C>A on transcript NM_007194.4 (MANE Select); coding-DNA position 1367, C replaced by A.
Protein change: p.Ser456Ter; replaces serine 456 with a stop codon.
Molecular consequence: nonsense.
Genome position (GRCh38, 1-based): chr22:28,695,135, G>T on the plus strand (C>A on the coding strand, the complement: CHEK2 is on the minus strand). VCF-style: chr22-28695135-G-T. GRCh37 (hg19) VCF-style: chr22-29091123-G-T.
Other names: c.1496C>A, p.Ser499Ter (NM_001005735.3); c.704C>A, p.Ser235Ter (NM_001257387.3); c.1166C>A, p.Ser389Ter (NM_001349956.3); c.1280C>A, p.Ser427Ter (NM_145862.3); short protein forms S235*, S389*, S427*, S456*, S499*.
Identifiers: ClinVar variation 2821160 (VCV002821160.3), dbSNP rs876659827, ClinGen allele CA411095401.

ClinVar aggregate classification (germline): Pathogenic (1 of 4 stars; one submission).

Conditions:
Familial cancer of breast. Also called: BREAST CANCER, FAMILIAL; hereditary breast carcinoma; Hereditary breast cancer. Identifiers: Orphanet 227535, MedGen C0346153, MONDO:0016419, OMIM 114480. Disease mechanism: loss of function.

Submission:

Labcorp Genetics (formerly Invitae), Labcorp
Classification: Pathogenic for Familial cancer of breast. Last evaluated: 2022-12-15. Review status: criteria provided, single submitter. Criteria: Invitae Variant Classification Sherloc (09022015). Collection method: clinical testing. Allele origin: germline.
Comment: For these reasons, this variant has been classified as Pathogenic. This sequence change creates a premature translational stop signal (p.Ser456*) in the CHEK2 gene. It is expected to result in an absent or disrupted protein product. Loss-of-function variants in CHEK2 are known to be pathogenic (PMID: 21876083, 24713400). This variant is not present in population databases (gnomAD no frequency). This variant has not been reported in the literature in individuals affected with CHEK2-related conditions.

Literature cited by the submitters: PubMed 21876083; PubMed 24713400.